The following is an entry in ClinVar:

NM_002509.4(NKX2-2):c.267T>C (p.Gly89=)

Gene: NKX2-2 (NK2 homeobox 2; minus strand). Cytogenetic location: 20p11.22.
Variant type: single nucleotide variant.
Coding change: c.267T>C on transcript NM_002509.4 (MANE Select); coding-DNA position 267, T replaced by C.
Protein change: p.Gly89=; no amino-acid change (glycine 89 retained).
Molecular consequence: synonymous variant.
Genome position (GRCh38, 1-based): chr20:21,512,478, A>G on the plus strand (T>C on the coding strand, the complement: NKX2-2 is on the minus strand). VCF-style: chr20-21512478-A-G. GRCh37 (hg19) VCF-style: chr20-21493116-A-G.
Other names: c.54T>C, p.Gly18= (NM_001424411.1); c.267T>C, p.Gly89= (NM_001424412.1).
Identifiers: ClinVar variation 3030944 (VCV003030944.2), dbSNP rs746497217, ClinGen allele CA9786280.

ClinVar aggregate classification (germline): Likely benign (0 of 4 stars; one submission).

Conditions:
NKX2-2-related disorder. Also called: NKX2-2-related condition.

Allele frequency attached by ClinVar (database versions not stated): TOPMed below 0.00001; gnomAD 0.00001; gnomAD exomes 0.00003; ExAC 0.00004.
gnomAD v4.1: 41 of 1,567,760 alleles (0.0026%); highest among the groups gnomAD compares: South Asian, 0.045%; 1 homozygote.

Submission:

PreventionGenetics, part of Exact Sciences
Classification: Likely benign for NKX2-2-related condition. Last evaluated: 2023-08-03. Review status: no assertion criteria provided. Collection method: clinical testing. Allele origin: germline.
Comment: This variant is classified as likely benign based on ACMG/AMP sequence variant interpretation guidelines (Richards et al. 2015 PMID: 25741868, with internal and published modifications).